The following is an entry in ClinVar:

NC_000016.10:g.67660417G>A

Genes: ACD (ACD shelterin complex subunit and telomerase recruitment factor; minus strand), LOC130059224 (ATAC-STARR-seq lymphoblastoid silent region 7617; plus strand). Cytogenetic location: 16q22.1.
Variant type: single nucleotide variant.
Genome position: GRCh38 VCF-style: chr16-67660417-G-A. GRCh37 (hg19) VCF-style: chr16-67694320-G-A.
Other names: short protein forms P21L.
Identifiers: ClinVar variation 1752717 (VCV001752717.6), dbSNP rs753239056, ClinGen allele CA8114943.

ClinVar aggregate classification (germline): Uncertain significance. Review status: criteria provided, multiple submitters, no conflicts (2 of 4 stars). 2 submissions from 2 submitters: Uncertain significance (2). Last evaluated 2025-02-08.

Conditions:
Inborn genetic diseases. Identifiers: MedGen C0950123, MeSH D030342.
Dyskeratosis congenita, autosomal dominant 6 (DKCA6). Identifiers: Orphanet 3322, MedGen C4225284, MONDO:0014690, OMIM 616553.

Allele frequency attached by ClinVar (database versions not stated): ExAC 0.00001.

Submissions (2):

Ambry Genetics
Classification: Uncertain significance for Inborn genetic diseases. Last evaluated: 2025-02-08. Review status: criteria provided, single submitter. Criteria: Ambry Variant Classification Scheme 2023. Collection method: clinical testing. Allele origin: germline.

Labcorp Genetics (formerly Invitae), Labcorp
Classification: Uncertain significance for Dyskeratosis congenita, autosomal dominant 6. Last evaluated: 2023-11-17. Review status: criteria provided, single submitter. Criteria: Invitae Variant Classification Sherloc (09022015). Collection method: clinical testing. Allele origin: germline.
Comment: This sequence change replaces proline, which is neutral and non-polar, with leucine, which is neutral and non-polar, at codon 21 of the ACD protein (p.Pro21Leu). This variant is not present in population databases (gnomAD no frequency). This variant has not been reported in the literature in individuals affected with ACD-related conditions. ClinVar contains an entry for this variant (Variation ID: 1752717). Experimental studies and prediction algorithms are not available or were not evaluated, and the functional significance of this variant is currently unknown. In summary, the available evidence is currently insufficient to determine the role of this variant in disease. Therefore, it has been classified as a Variant of Uncertain Significance.